The following is an entry in ClinVar:

NM_001465.6(FYB1):c.-15G>C

Gene: FYB1 (FYN binding protein 1; minus strand). Cytogenetic location: 5p13.1.
Variant type: single nucleotide variant.
Coding change: c.-15G>C on transcript NM_001465.6 (MANE Select); 15 bases upstream of the start codon, G replaced by C.
Molecular consequence: 5 prime UTR variant. On other transcripts: missense variant (2).
Genome position (GRCh38, 1-based): chr5:39,202,975, C>G on the plus strand (G>C on the coding strand, the complement: FYB1 is on the minus strand). VCF-style: chr5-39202975-C-G. GRCh37 (hg19) VCF-style: chr5-39203077-C-G.
Other names: c.16G>C, p.Asp6His (NM_001243093.2, NM_018594.2); c.-15G>C (NM_001349333.2, NM_199335.5); short protein forms D6H.
Identifiers: ClinVar variation 3352595 (VCV003352595.2).

ClinVar aggregate classification (germline): Likely benign. Review status: criteria provided, single submitter (1 of 4 stars). 2 submissions from 2 submitters: Likely benign (1). 1 of the submissions does not count toward it. Last evaluated 2024-09-11.

Conditions:
FYB1-related disorder. Also called: FYB1-related condition.

gnomAD v4.1: 339 of 1,613,266 alleles (0.021%); highest among the groups gnomAD compares: African/African-American, 0.4%; 2 homozygotes.

Submissions (2):

Blueprint Genetics
Classification: Likely benign. Last evaluated: 2024-09-11. Review status: criteria provided, single submitter. Criteria: ACMG Guidelines, 2015. Collection method: clinical testing. Allele origin: germline.

PreventionGenetics, part of Exact Sciences
Classification: Likely benign for FYB1-related condition. Last evaluated: 2024-08-27. Review status: no assertion criteria provided. Collection method: clinical testing. Allele origin: germline. Not counted in ClinVar's aggregate classification.
Comment: This variant is classified as likely benign based on ACMG/AMP sequence variant interpretation guidelines (Richards et al. 2015 PMID: 25741868, with internal and published modifications).